The following is an entry in ClinVar:

NM_000702.4(ATP1A2):c.2115+15G>A

Gene: ATP1A2 (ATPase Na+/K+ transporting subunit alpha 2; plus strand). Cytogenetic location: 1q23.2.
Variant type: single nucleotide variant.
Coding change: c.2115+15G>A on transcript NM_000702.4 (MANE Select); 15 bases into the intron after coding-DNA position 2115, G replaced by A.
Molecular consequence: intron variant.
Genome position (GRCh38, 1-based): chr1:160,135,310, G>A. VCF-style: chr1-160135310-G-A. GRCh37 (hg19) VCF-style: chr1-160105100-G-A.
Identifiers: ClinVar variation 383829 (VCV000383829.10), dbSNP rs769939965, ClinGen allele CA1194660.
Genomic context (GRCh38, chr1:160,135,310, plus strand): 5'-GTCTCCCCAGCAGAAGCTCATCATTGTGGAGGGATGTCAGAGGCAGGTGAGCACAGCCAC[G>A]GGAGGCAGATGACAGGCAGGGACCGGGGAGGCAGGGACAGGGCCAAGACAAGCATGGAGT-3'

ClinVar aggregate classification (germline): Likely benign. Review status: criteria provided, multiple submitters, no conflicts (2 of 4 stars). 2 submissions from 2 submitters: Likely benign (2). Last evaluated 2025-01-23.

Conditions:
Familial hemiplegic migraine. Identifiers: MedGen C0338484, MONDO:0000700.

Allele frequency attached by ClinVar (database versions not stated): TOPMed 0.00005; gnomAD exomes 0.00001 and 0.00004; ExAC 0.00005; gnomAD 0.00005.
gnomAD v4.1: 28 of 1,614,072 alleles (0.0017%); highest among the groups gnomAD compares: East Asian, 0.011%; no homozygotes.

Submissions (2):

Labcorp Genetics (formerly Invitae), Labcorp
Classification: Likely benign for Familial hemiplegic migraine. Last evaluated: 2025-01-23. Review status: criteria provided, single submitter. Criteria: Invitae Variant Classification Sherloc (09022015). Collection method: clinical testing. Allele origin: germline.

GeneDx
Classification: Likely benign. Last evaluated: 2016-02-23. Review status: criteria provided, single submitter. Criteria: GeneDx Variant Classification (06012015). Collection method: clinical testing. Allele origin: germline. Affected: yes.
Comment: This variant is considered likely benign or benign based on one or more of the following criteria: it is a conservative change, it occurs at a poorly conserved position in the protein, it is predicted to be benign by multiple in silico algorithms, and/or has population frequency not consistent with disease.